The following is an entry in ClinVar:

ClinVar aggregate classification (germline): Uncertain significance (1 of 4 stars; one submission).

Submission:

GeneDx
Classification: Uncertain significance. Last evaluated: 2020-05-20. Review status: criteria provided, single submitter. Criteria: GeneDx Variant Classification Process June 2021. Collection method: clinical testing. Allele origin: germline. Affected: yes.
Comment: Not observed in large population cohorts (Lek et al., 2016); In silico analysis supports that this missense variant has a deleterious effect on protein structure/function; Has not been previously published as pathogenic or benign to our knowledge

NM_001244008.2(KIF1A):c.4889G>T (p.Arg1630Leu)

Gene: KIF1A (kinesin family member 1A; minus strand). Cytogenetic location: 2q37.3.
Variant type: single nucleotide variant.
Coding change: c.4889G>T on transcript NM_001244008.2 (MANE Select); coding-DNA position 4889, G replaced by T.
Protein change: p.Arg1630Leu; replaces arginine 1630 with leucine.
Molecular consequence: missense variant.
Genome position (GRCh38, 1-based): chr2:240,719,906, C>A on the plus strand (G>T on the coding strand, the complement: KIF1A is on the minus strand). VCF-style: chr2-240719906-C-A. GRCh37 (hg19) VCF-style: chr2-241659323-C-A.
Other names: c.4613G>T, p.Arg1538Leu (NM_001320705.2, NM_001379649.1); c.4640G>T, p.Arg1547Leu (NM_001330289.2); c.4688G>T, p.Arg1563Leu (NM_001330290.2, NM_001379648.1); c.4964G>T, p.Arg1655Leu (NM_001379631.1); c.4865G>T, p.Arg1622Leu (NM_001379632.1); c.4862G>T, p.Arg1621Leu (NM_001379633.1, NM_001379645.1); c.4715G>T, p.Arg1572Leu (NM_001379634.1); c.4712G>T, p.Arg1571Leu (NM_001379635.1, NM_001379646.1); and 7 more; short protein forms R1528L, R1529L, R1537L, R1538L, R1546L, R1547L, R1554L, R1563L.
Identifiers: ClinVar variation 1305773 (VCV001305773.2), dbSNP rs191428830, ClinGen allele CA351300967.
Genomic context (GRCh38, chr2:240,719,906, plus strand): 5'-GGGGAAGGGAGCTTCTTGGAGTCGGCCTCTGGCAGCAGCTCGGGCTCTGGGCTGGCTGGC[C>A]GGGAGCAGGGCTGCGGGGTCCTGGGAAGCAGAGGGAAGTGCTGCCCACTGCAGGCCTCCC-3'
Protein context (NP_001230937.1, residues 1620-1640): TDLRTPQPCS[Arg1630Leu]PASPEPELLP